The following is an entry in ClinVar:

NM_003047.5(SLC9A1):c.1018A>G (p.Met340Val)

Gene: SLC9A1 (solute carrier family 9 member A1; minus strand). Cytogenetic location: 1p36.11.
Variant type: single nucleotide variant.
Coding change: c.1018A>G on transcript NM_003047.5 (MANE Select); coding-DNA position 1018, A replaced by G.
Protein change: p.Met340Val; replaces methionine 340 with valine.
Molecular consequence: missense variant. On other transcripts: non-coding transcript variant (1).
Genome position (GRCh38, 1-based): chr1:27,109,573, T>C on the plus strand (A>G on the coding strand, the complement: SLC9A1 is on the minus strand). VCF-style: chr1-27109573-T-C. GRCh37 (hg19) VCF-style: chr1-27436064-T-C.
Other names: short protein forms M340V.
Identifiers: ClinVar variation 3774627 (VCV003774627.1).

ClinVar aggregate classification (germline): Uncertain significance (1 of 4 stars; one submission).

Submission:

GeneDx
Classification: Uncertain significance. Last evaluated: 2024-09-25. Review status: criteria provided, single submitter. Criteria: GeneDx Variant Classification Process June 2021. Collection method: clinical testing. Allele origin: germline. Affected: yes.
Comment: Not observed at significant frequency in large population cohorts (gnomAD); In silico analysis indicates that this missense variant does not alter protein structure/function; Has not been previously published as pathogenic or benign to our knowledge